The following is an entry in ClinVar:

ClinVar aggregate classification (germline): Likely benign. Review status: criteria provided, multiple submitters, no conflicts (2 of 4 stars). 2 submissions from 2 submitters: Likely benign (2). Last evaluated 2026-08-01.

Conditions:
Candidiasis, familial, 8 (CANDF8). Identifiers: Orphanet 1334, MedGen C3714992, MONDO:0014230, OMIM 615527.

Allele frequency attached by ClinVar (database versions not stated): gnomAD 0.00001; TOPMed 0.00003; ExAC 0.00009.
gnomAD v4.1: 43 of 1,614,138 alleles (0.0027%); highest among the groups gnomAD compares: Admixed American, 0.032%; no homozygotes.

Submissions (2):

CeGaT Center for Human Genetics Tuebingen
Classification: Likely benign. Last evaluated: 2026-08-01. Review status: criteria provided, single submitter. Criteria: CeGaT Center For Human Genetics Tuebingen Variant Classification Criteria Version 2. Collection method: clinical testing. Allele origin: germline. Affected: yes. Observed: 1 variant allele.
Comment: TRAF3IP2: BP4, BP7

Labcorp Genetics (formerly Invitae), Labcorp
Classification: Likely benign for Candidiasis, familial, 8. Last evaluated: 2025-10-26. Review status: criteria provided, single submitter. Criteria: Invitae Variant Classification Sherloc (09022015). Collection method: clinical testing. Allele origin: germline.

NM_147686.4(TRAF3IP2):c.1434C>T (p.Asp478=)

Genes: TRAF3IP2 (TRAF3 interacting protein 2; minus strand), TRAF3IP2-AS1 (TRAF3IP2 antisense RNA 1; plus strand). Cytogenetic location: 6q21.
Variant type: single nucleotide variant.
Coding change: c.1434C>T on transcript NM_147686.4 (MANE Select); coding-DNA position 1434, C replaced by T.
Protein change: p.Asp478=; no amino-acid change (aspartic acid 478 retained).
Molecular consequence: synonymous variant.
Genome position (GRCh38, 1-based): chr6:111,566,486, G>A on the plus strand (C>T on the coding strand, the complement: TRAF3IP2 is on the minus strand). VCF-style: chr6-111566486-G-A. GRCh37 (hg19) VCF-style: chr6-111887689-G-A.
Other names: c.1431C>T, p.Asp477= (NM_001164281.3); c.66C>T, p.Asp22= (NM_001164283.3); c.1461C>T, p.Asp487= (NM_147200.3).
Identifiers: ClinVar variation 2083912 (VCV002083912.5), dbSNP rs144166946, ClinGen allele CA3963082.